The following is an entry in ClinVar:

ClinVar aggregate classification (germline): Uncertain significance (0 of 4 stars; one submission).

Conditions:
IL6ST-related disorder. Also called: IL6ST-related condition.

gnomAD v4.1: 3 of 1,614,140 alleles (0.00019%); highest among the groups gnomAD compares: Admixed American, 0.0033%; no homozygotes.

Submission:

PreventionGenetics, part of Exact Sciences
Classification: Uncertain significance for IL6ST-related condition. Last evaluated: 2024-08-23. Review status: no assertion criteria provided. Collection method: clinical testing. Allele origin: germline.
Comment: The IL6ST c.2678T>C variant is predicted to result in the amino acid substitution p.Met893Thr. To our knowledge, this variant has not been reported in the literature or in a large population database, indicating this variant is rare. At this time, the clinical significance of this variant is uncertain due to the absence of conclusive functional and genetic evidence.

NM_002184.4(IL6ST):c.2678T>C (p.Met893Thr)

Gene: IL6ST (interleukin 6 cytokine family signal transducer; minus strand). Cytogenetic location: 5q11.2.
Variant type: single nucleotide variant.
Coding change: c.2678T>C on transcript NM_002184.4 (MANE Select); coding-DNA position 2678, T replaced by C.
Protein change: p.Met893Thr; replaces methionine 893 with threonine.
Molecular consequence: missense variant. On other transcripts: 3 prime UTR variant (1), non-coding transcript variant (2).
Genome position (GRCh38, 1-based): chr5:55,941,161, A>G on the plus strand (T>C on the coding strand, the complement: IL6ST is on the minus strand). VCF-style: chr5-55941161-A-G. GRCh37 (hg19) VCF-style: chr5-55236989-A-G.
Other names: c.2495T>C, p.Met832Thr (NM_001190981.2); c.2576T>C, p.Met859Thr (NM_001364275.2); c.2468T>C, p.Met823Thr (NM_001364276.2); c.1811T>C, p.Met604Thr (NM_001364277.2); c.1775T>C, p.Met592Thr (NM_001364278.2); c.1682T>C, p.Met561Thr (NM_001364279.2); c.*1605T>C (NM_175767.3); short protein forms M561T, M592T, M604T, M823T, M832T, M859T, M893T.
Identifiers: ClinVar variation 3346139 (VCV003346139.1).